The following is an entry in ClinVar:

NM_001257096.2(PAX1):c.1308C>T (p.Ser436=)

Gene: PAX1 (paired box 1; plus strand). Cytogenetic location: 20p11.22.
Variant type: single nucleotide variant.
Coding change: c.1308C>T on transcript NM_001257096.2 (MANE Select); coding-DNA position 1308, C replaced by T.
Protein change: p.Ser436=; no amino-acid change (serine 436 retained).
Molecular consequence: synonymous variant. On other transcripts: missense variant (1).
Genome position (GRCh38, 1-based): chr20:21,714,496, C>T. VCF-style: chr20-21714496-C-T. GRCh37 (hg19) VCF-style: chr20-21695134-C-T.
Other names: c.1298C>T (NM_006192.3); c.1298C>T, p.Pro433Leu (NM_006192.5); short protein forms P433L.
Identifiers: ClinVar variation 3675562 (VCV003675562.3).

ClinVar aggregate classification (germline): Uncertain significance. Review status: criteria provided, multiple submitters, no conflicts (2 of 4 stars). 2 submissions from 2 submitters: Uncertain significance (2). Last evaluated 2025-02-13.

Conditions:
Inborn genetic diseases. Identifiers: MedGen C0950123, MeSH D030342.

Submissions (2):

Ambry Genetics
Classification: Uncertain significance for Inborn genetic diseases. Last evaluated: 2025-02-13. Review status: criteria provided, single submitter. Criteria: Ambry Variant Classification Scheme 2023. Collection method: clinical testing. Allele origin: germline.

Labcorp Genetics (formerly Invitae), Labcorp
Classification: Uncertain significance. Last evaluated: 2024-02-19. Review status: criteria provided, single submitter. Criteria: Invitae Variant Classification Sherloc (09022015). Collection method: clinical testing. Allele origin: germline.
Comment: This sequence change replaces proline, which is neutral and non-polar, with leucine, which is neutral and non-polar, at codon 433 of the PAX1 protein (p.Pro433Leu). This variant is not present in population databases (gnomAD no frequency). This variant has not been reported in the literature in individuals affected with PAX1-related conditions. Advanced modeling of protein sequence and biophysical properties (such as structural, functional, and spatial information, amino acid conservation, physicochemical variation, residue mobility, and thermodynamic stability) performed at Invitae indicates that this missense variant is not expected to disrupt PAX1 protein function with a negative predictive value of 80%. In summary, the available evidence is currently insufficient to determine the role of this variant in disease. Therefore, it has been classified as a Variant of Uncertain Significance.